The following is an entry in ClinVar:

ClinVar aggregate classification (germline): Uncertain significance (1 of 4 stars; one submission).

gnomAD v4.1: 5 of 1,614,070 alleles (0.00031%); highest among the groups gnomAD compares: South Asian, 0.0011%; no homozygotes.

Submission:

Labcorp Genetics (formerly Invitae), Labcorp
Classification: Uncertain significance. Last evaluated: 2022-11-22. Review status: criteria provided, single submitter. Criteria: Invitae Variant Classification Sherloc (09022015). Collection method: clinical testing. Allele origin: germline.
Comment: In summary, the available evidence is currently insufficient to determine the role of this variant in disease. Therefore, it has been classified as a Variant of Uncertain Significance. Advanced modeling of protein sequence and biophysical properties (such as structural, functional, and spatial information, amino acid conservation, physicochemical variation, residue mobility, and thermodynamic stability) performed at Invitae indicates that this missense variant is not expected to disrupt TBCK protein function. ClinVar contains an entry for this variant (Variation ID: 1399081). This variant has not been reported in the literature in individuals affected with TBCK-related conditions. This variant is present in population databases (no rsID available, gnomAD 0.003%). This sequence change replaces lysine, which is basic and polar, with threonine, which is neutral and polar, at codon 37 of the TBCK protein (p.Lys37Thr).

NM_001163435.3(TBCK):c.110A>C (p.Lys37Thr)

Gene: TBCK (TBC1 domain containing kinase; minus strand). Cytogenetic location: 4q24.
Variant type: single nucleotide variant.
Coding change: c.110A>C on transcript NM_001163435.3 (MANE Select); coding-DNA position 110, A replaced by C.
Protein change: p.Lys37Thr; replaces lysine 37 with threonine.
Molecular consequence: missense variant. On other transcripts: 5 prime UTR variant (1).
Genome position (GRCh38, 1-based): chr4:106,308,851, T>G on the plus strand (A>C on the coding strand, the complement: TBCK is on the minus strand). VCF-style: chr4-106308851-T-G. GRCh37 (hg19) VCF-style: chr4-107230008-T-G.
Other names: c.110A>C, p.Lys37Thr (NM_001163436.4, NM_001163437.3, NM_033115.5); c.-508A>C (NM_001290768.2); short protein forms K37T.
Identifiers: ClinVar variation 1399081 (VCV001399081.6), dbSNP rs755840392, ClinGen allele CA357974058.